The following is an entry in ClinVar:

NM_002208.5(ITGAE):c.2184G>A (p.Thr728=)

Gene: ITGAE (integrin subunit alpha E; minus strand). Cytogenetic location: 17p13.2.
Variant type: single nucleotide variant.
Coding change: c.2184G>A on transcript NM_002208.5 (MANE Select); coding-DNA position 2184, G replaced by A.
Protein change: p.Thr728=; no amino-acid change (threonine 728 retained).
Molecular consequence: synonymous variant.
Genome position (GRCh38, 1-based): chr17:3,745,899, C>T on the plus strand (G>A on the coding strand, the complement: ITGAE is on the minus strand). VCF-style: chr17-3745899-C-T. GRCh37 (hg19) VCF-style: chr17-3649193-C-T.
Identifiers: ClinVar variation 2647239 (VCV002647239.24), dbSNP rs151295075, ClinGen allele CA8294030.

ClinVar aggregate classification (germline): Likely benign (1 of 4 stars; one submission).

Allele frequency attached by ClinVar (database versions not stated): ESP Exome Variant Server 0.00008; gnomAD exomes 0.00010; TOPMed 0.00014; ExAC 0.00015; 1000 Genomes Project 30x 0.00016; 1000 Genomes Project 0.00020; gnomAD 0.00020.

Submission:

CeGaT Center for Human Genetics Tuebingen
Classification: Likely benign. Last evaluated: 2023-11-01. Review status: criteria provided, single submitter. Criteria: CeGaT Center For Human Genetics Tuebingen Variant Classification Criteria Version 2. Collection method: clinical testing. Allele origin: germline. Affected: yes. Observed: 1 variant allele.
Comment: ITGAE: BP4, BP7